The following is an entry in ClinVar:

NM_001003694.2(BRPF1):c.241G>A (p.Val81Ile)

Gene: BRPF1 (bromodomain and PHD finger containing 1; plus strand). Cytogenetic location: 3p25.3.
Variant type: single nucleotide variant.
Coding change: c.241G>A on transcript NM_001003694.2 (MANE Select); coding-DNA position 241, G replaced by A.
Protein change: p.Val81Ile; replaces valine 81 with isoleucine.
Molecular consequence: missense variant. On other transcripts: non-coding transcript variant (1).
Genome position (GRCh38, 1-based): chr3:9,734,381, G>A. VCF-style: chr3-9734381-G-A. GRCh37 (hg19) VCF-style: chr3-9776065-G-A.
Other names: c.241G>A, p.Val81Ile (NM_001319049.2, NM_001319050.2, NM_004634.3); short protein forms V81I.
Identifiers: ClinVar variation 978105 (VCV000978105.2), dbSNP rs2076904769, ClinGen allele CA351679580.

ClinVar aggregate classification (germline): Uncertain significance (1 of 4 stars; one submission).

Conditions:
Intellectual developmental disorder with dysmorphic facies and ptosis (IDDDFP). Identifiers: Orphanet 698090, MedGen C4310617, MONDO:0015022, OMIM 617333.

Submission:

New York Genome Center
Classification: Uncertain significance for Intellectual developmental disorder with dysmorphic facies and ptosis. Last evaluated: 2019-12-27. Review status: criteria provided, single submitter. Criteria: NYGC Assertion Criteria 2020. Collection method: clinical testing. Allele origin: germline. Observed: 1 heterozygote. Study: CSER-NYCKidSeq.
Comment: This variant is absent from gnomAD suggesting it is not a common benign variant in the populations represented in that database. In silico algorithms predict this variant to be Neutral (Provean; score:0.36) and Tolerated (SIFT; score: 0.558) to the function of the canonical transcript. This variant is absent from ClinVar and to our current knowledge has not been reported in affected individuals in the literature. Given the lack of compelling evidence for its pathogenicity, the c.241G>A (p.Val81Ile) variant identified in the BRPF1 gene is reported as a Variant of Uncertain Significance.